The following is an entry in ClinVar:

ClinVar aggregate classification (germline): Uncertain significance. Review status: criteria provided, single submitter (1 of 4 stars). 3 submissions from 3 submitters: Uncertain significance (1). 2 of the submissions do not count toward it. Last evaluated 2022-07-18.

Conditions:
Developmental and epileptic encephalopathy 94 (DEE94). Also called: Epileptic encephalopathy, childhood-onset; CHD2-Related Neurodevelopmental Disorders. Identifiers: Orphanet 1942, Orphanet 2382, MedGen C3809278, MONDO:0014150, OMIM 615369.

gnomAD v4.1: 2 of 1,614,190 alleles (0.00012%); highest among the groups gnomAD compares: Non-Finnish European, 0.00017%; no homozygotes.

Submissions (3):

Labcorp Genetics (formerly Invitae), Labcorp
Classification: Uncertain significance for Developmental and epileptic encephalopathy 94. Last evaluated: 2022-07-18. Review status: criteria provided, single submitter. Criteria: Invitae Variant Classification Sherloc (09022015). Collection method: clinical testing. Allele origin: germline.
Comment: In summary, the available evidence is currently insufficient to determine the role of this variant in disease. Therefore, it has been classified as a Variant of Uncertain Significance. Advanced modeling of protein sequence and biophysical properties (such as structural, functional, and spatial information, amino acid conservation, physicochemical variation, residue mobility, and thermodynamic stability) performed at Invitae indicates that this missense variant is not expected to disrupt CHD2 protein function. ClinVar contains an entry for this variant (Variation ID: 1039208). This variant has not been reported in the literature in individuals affected with CHD2-related conditions. This variant is not present in population databases (gnomAD no frequency). This sequence change replaces alanine, which is neutral and non-polar, with threonine, which is neutral and polar, at codon 1519 of the CHD2 protein (p.Ala1519Thr).

Diagnostic Laboratory, Department of Genetics, University Medical Center Groningen
Classification: Uncertain significance. Review status: no assertion criteria provided. Collection method: clinical testing. Allele origin: germline. Affected: yes. Study: VKGL Data-share Consensus. Not counted in ClinVar's aggregate classification.

Joint Genome Diagnostic Labs from Nijmegen and Maastricht, Radboudumc and MUMC+
Classification: Uncertain significance. Review status: no assertion criteria provided. Collection method: clinical testing. Allele origin: germline. Affected: yes. Study: VKGL Data-share Consensus. Not counted in ClinVar's aggregate classification.

NM_001271.4(CHD2):c.4555G>A (p.Ala1519Thr)

Gene: CHD2 (chromodomain helicase DNA binding protein 2; plus strand). Cytogenetic location: 15q26.1.
Variant type: single nucleotide variant.
Coding change: c.4555G>A on transcript NM_001271.4 (MANE Select); coding-DNA position 4555, G replaced by A.
Protein change: p.Ala1519Thr; replaces alanine 1519 with threonine.
Molecular consequence: missense variant.
Genome position (GRCh38, 1-based): chr15:93,009,286, G>A. VCF-style: chr15-93009286-G-A. GRCh37 (hg19) VCF-style: chr15-93552516-G-A.
Other names: short protein forms A1519T.
Identifiers: ClinVar variation 1039208 (VCV001039208.14), dbSNP rs1183987736, ClinGen allele CA393904641.
Genomic context (GRCh38, chr15:93,009,286, plus strand): 5'-CTGGAACACACCCGGAACTGCCTGCTGAAAATCGGAGACCGGATAGCCGAGTGCCTTAAA[G>A]CCTACTCAGATCAGGAGCACATCAAACTCTGGAGGAGGTAACCACTTTGGCCTCGTCTGC-3'
Protein context (NP_001262.3, residues 1509-1529): IGDRIAECLK[Ala1519Thr]YSDQEHIKLW